The following is an entry in ClinVar:

ClinVar aggregate classification (germline): Uncertain significance (1 of 4 stars; one submission).

Conditions:
Hereditary cancer-predisposing syndrome. Also called: Tumor predisposition; Hereditary Cancer Syndrome; Hereditary neoplastic syndrome; Neoplastic Syndromes, Hereditary. Identifiers: Orphanet 140162, MedGen C0027672, MeSH D009386, MONDO:0015356.

gnomAD v4.1: 1 of 1,614,208 alleles (0.000062%); highest among the groups gnomAD compares: Non-Finnish European, 0.000085%; no homozygotes.

Submission:

Ambry Genetics
Classification: Uncertain significance for Hereditary cancer-predisposing syndrome. Last evaluated: 2024-04-23. Review status: criteria provided, single submitter. Criteria: Ambry Variant Classification Scheme 2023. Collection method: clinical testing. Allele origin: germline.
Comment: The p.Q522H variant (also known as c.1566G>C), located in coding exon 4 of the MSH6 gene, results from a G to C substitution at nucleotide position 1566. The glutamine at codon 522 is replaced by histidine, an amino acid with highly similar properties. This amino acid position is highly conserved in available vertebrate species. In addition, this alteration is predicted to be deleterious by in silico analysis. Based on the available evidence, the clinical significance of this variant remains unclear.

NM_000179.3(MSH6):c.1566G>C (p.Gln522His)

Gene: MSH6 (mutS homolog 6; plus strand). Cytogenetic location: 2p16.3.
Variant type: single nucleotide variant.
Coding change: c.1566G>C on transcript NM_000179.3 (MANE Select); coding-DNA position 1566, G replaced by C.
Protein change: p.Gln522His; replaces glutamine 522 with histidine.
Molecular consequence: missense variant. On other transcripts: non-coding transcript variant (4), intron variant (1).
Genome position (GRCh38, 1-based): chr2:47,799,549, G>C. VCF-style: chr2-47799549-G-C. GRCh37 (hg19) VCF-style: chr2-48026688-G-C.
Other names: c.1176G>C, p.Gln392His (NM_001281492.2); c.660G>C, p.Gln220His (NM_001281493.2, NM_001281494.2, NM_001406823.1 and 6 more transcripts); c.1662G>C, p.Gln554His (NM_001406795.1, NM_001406802.1); c.1566G>C, p.Gln522His (NM_001406796.1, NM_001406798.1, NM_001406800.1 and 4 more transcripts); c.1269G>C, p.Gln423His (NM_001406797.1, NM_001406801.1, NM_001406805.1 and 10 more transcripts); c.1041G>C, p.Gln347His (NM_001406799.1, NM_001406806.1, NM_001406807.1); c.1488G>C, p.Gln496His (NM_001406804.1); c.1572G>C, p.Gln524His (NM_001406813.1); and 2 more; short protein forms Q347H, Q423H, Q524H, Q392H, Q466H, Q554H, Q220H, Q496H.
Identifiers: ClinVar variation 3296372 (VCV003296372.1).
Genomic context (GRCh38, chr2:47,799,549, plus strand): 5'-ATCCAAGTATGATAGAGTGGTGAGGAGGGAGATCTGTAGGATCATTACCAAGGGTACACA[G>C]ACTTACAGTGTGCTGGAAGGTGATCCCTCTGAGAACTACAGTAAGTATCTTCTTAGCCTC-3'
Protein context (NP_000170.1, residues 512-532): EICRIITKGT[Gln522His]TYSVLEGDPS